The following is an entry in ClinVar:

NM_006828.4(ASCC3):c.5267G>T (p.Trp1756Leu)

Gene: ASCC3 (activating signal cointegrator 1 complex subunit 3; minus strand). Cytogenetic location: 6q16.3.
Variant type: single nucleotide variant.
Coding change: c.5267G>T on transcript NM_006828.4 (MANE Select); coding-DNA position 5267, G replaced by T.
Protein change: p.Trp1756Leu; replaces tryptophan 1756 with leucine.
Molecular consequence: missense variant.
Genome position (GRCh38, 1-based): chr6:100,601,846, C>A on the plus strand (G>T on the coding strand, the complement: ASCC3 is on the minus strand). VCF-style: chr6-100601846-C-A. GRCh37 (hg19) VCF-style: chr6-101049722-C-A.
Other names: short protein forms W1756L.
Identifiers: ClinVar variation 3359630 (VCV003359630.1).

ClinVar aggregate classification (germline): Uncertain significance (1 of 4 stars; one submission).

Submission:

GeneDx
Classification: Uncertain significance. Last evaluated: 2023-06-14. Review status: criteria provided, single submitter. Criteria: GeneDx Variant Classification Process June 2021. Collection method: clinical testing. Allele origin: germline. Affected: yes.
Comment: Not observed at significant frequency in large population cohorts (gnomAD); In silico analysis supports that this missense variant has a deleterious effect on protein structure/function; Has not been previously published as pathogenic or benign to our knowledge